The following is an entry in ClinVar:

ClinVar aggregate classification (germline): Uncertain significance (1 of 4 stars; one submission).

Conditions:
Intellectual developmental disorder, X-linked 99, syndromic, female-restricted. Also called: Intellectual disability, X-linked 99, syndromic, female-restricted. Identifiers: MedGen C4225416, MONDO:0010502, OMIM 300968.

Submission:

Baylor Genetics
Classification: Uncertain significance for Intellectual developmental disorder, X-linked 99, syndromic, female-restricted. Last evaluated: 2020-01-08. Review status: criteria provided, single submitter. Criteria: ACMG Guidelines, 2015. Collection method: clinical testing. Allele origin: de novo. Affected: yes.
Comment: This variant was determined to be of uncertain significance according to ACMG Guidelines, 2015 [PMID:25741868].

NM_001039591.3(USP9X):c.1782C>G (p.Pro594=)

Gene: USP9X (ubiquitin specific peptidase 9 X-linked; plus strand). Cytogenetic location: Xp11.4.
Variant type: single nucleotide variant.
Coding change: c.1782C>G on transcript NM_001039591.3 (MANE Select); coding-DNA position 1782, C replaced by G.
Protein change: p.Pro594=; no amino-acid change (proline 594 retained).
Molecular consequence: synonymous variant.
Genome position (GRCh38, 1-based): chrX:41,152,966, C>G. VCF-style: chrX-41152966-C-G. GRCh37 (hg19) VCF-style: chrX-41012219-C-G.
Other names: c.1782C>G, p.Pro594= (NM_001039590.3).
Identifiers: ClinVar variation 1028482 (VCV001028482.1), dbSNP rs2062543205, ClinGen allele CA515972347.